The following is an entry in ClinVar:

ClinVar aggregate classification (germline): Pathogenic (1 of 4 stars; one submission).

Conditions:
Lynch syndrome 5 (LYNCH5). Also called: Colorectal cancer, hereditary nonpolyposis, type 5; Hereditary non-polyposis colorectal cancer, type 5. Identifiers: Orphanet 144, MedGen C1833477, MONDO:0013710, OMIM 614350. Disease mechanism: loss of function.

Submission:

Myriad Genetics, Inc.
Classification: Pathogenic for Lynch syndrome 5. Last evaluated: 2023-08-14. Review status: criteria provided, single submitter. Criteria: Myriad Autosomal Dominant, Autosomal Recessive and X-Linked Classification Criteria (2023). Collection method: clinical testing. Allele origin: unknown.
Comment: This variant is considered pathogenic. This variant creates a termination codon and is predicted to result in premature protein truncation.

NM_000179.3(MSH6):c.1449_1450delinsCT (p.Glu484Ter)

Gene: MSH6 (mutS homolog 6; plus strand). Cytogenetic location: 2p16.3.
Variant type: Indel.
Coding change: c.1449_1450delinsCT on transcript NM_000179.3 (MANE Select); coding-DNA positions 1449 to 1450, GG replaced by CT.
Protein change: p.Glu484Ter; replaces glutamic acid 484 with a stop codon.
Molecular consequence: nonsense. On other transcripts: non-coding transcript variant (4), intron variant (1).
Genome position (GRCh38, 1-based): chr2:47,799,432-47,799,433, GG replaced by CT. VCF-style: chr2-47799432-GG-CT. GRCh37 (hg19) VCF-style: chr2-48026571-GG-CT.
Other names: c.1152_1153delinsCT, p.Glu385Ter (NM_001406821.1, NM_001406822.1, NM_001406824.1 and 10 more transcripts); c.543_544delinsCT, p.Glu182Ter (NM_001406823.1, NM_001406829.1, NM_001281493.2 and 6 more transcripts); c.1281_1282delinsCT, p.Glu428Ter (NM_001406826.1); c.628-1234_628-1233delinsCT (NM_001407362.1); c.1059_1060delinsCT, p.Glu354Ter (NM_001281492.2); c.1545_1546delinsCT, p.Glu516Ter (NM_001406795.1, NM_001406802.1); c.1449_1450delinsCT, p.Glu484Ter (NM_001406796.1, NM_001406798.1, NM_001406800.1 and 4 more transcripts); c.924_925delinsCT, p.Glu309Ter (NM_001406799.1, NM_001406806.1, NM_001406807.1); and 2 more; short protein forms E182*, E309*, E354*, E385*, E428*, E458*, E484*, E486*.
Identifiers: ClinVar variation 2673719 (VCV002673719.1), dbSNP rs2530610386, ClinGen allele CA2695200582.